The following is an entry in ClinVar:

NM_199420.4(POLQ):c.7520G>A (p.Gly2507Asp)

Gene: POLQ (DNA polymerase theta; minus strand). Cytogenetic location: 3q13.33.
Variant type: single nucleotide variant.
Coding change: c.7520G>A on transcript NM_199420.4 (MANE Select); coding-DNA position 7520, G replaced by A.
Protein change: p.Gly2507Asp; replaces glycine 2507 with aspartic acid.
Molecular consequence: missense variant.
Genome position (GRCh38, 1-based): chr3:121,436,145, C>T on the plus strand (G>A on the coding strand, the complement: POLQ is on the minus strand). VCF-style: chr3-121436145-C-T. GRCh37 (hg19) VCF-style: chr3-121154992-C-T.
Other names: short protein forms G2507D.
Identifiers: ClinVar variation 2625889 (VCV002625889.2), dbSNP rs145493365, ClinGen allele CA81838629.

ClinVar aggregate classification (germline): Uncertain significance (1 of 4 stars; one submission).

Allele frequency attached by ClinVar (database versions not stated): gnomAD 0.00001; ESP Exome Variant Server 0.00008.

Submission:

Ambry Genetics
Classification: Uncertain significance. Last evaluated: 2023-08-31. Review status: criteria provided, single submitter. Criteria: Ambry Variant Classification Scheme 2023. Collection method: clinical testing. Allele origin: germline.
Comment: The p.G2507D variant (also known as c.7520G>A), located in coding exon 28 of the POLQ gene, results from a G to A substitution at nucleotide position 7520. The glycine at codon 2507 is replaced by aspartic acid, an amino acid with similar properties. This amino acid position is conserved. In addition, this alteration is predicted to be tolerated by in silico analysis. Since supporting evidence is limited at this time, the clinical significance of this alteration remains unclear.